The following is an entry in ClinVar:

ClinVar aggregate classification (germline): Likely benign (0 of 4 stars; one submission).

Conditions:
FAT1-related disorder. Also called: FAT1-related condition.

Allele frequency attached by ClinVar (database versions not stated): TOPMed 0.00002; 1000 Genomes Project 30x 0.00016; 1000 Genomes Project 0.00020; gnomAD exomes 0.00020; gnomAD 0.00038; ExAC 0.00047.
gnomAD v4.1: 348 of 1,613,984 alleles (0.022%); highest among the groups gnomAD compares: Non-Finnish European, 0.0027%; 1 homozygote.

Submission:

PreventionGenetics, part of Exact Sciences
Classification: Likely benign for FAT1-related condition. Last evaluated: 2022-12-20. Review status: no assertion criteria provided. Collection method: clinical testing. Allele origin: germline.
Comment: This variant is classified as likely benign based on ACMG/AMP sequence variant interpretation guidelines (Richards et al. 2015 PMID: 25741868, with internal and published modifications).

NM_005245.4(FAT1):c.11987A>G (p.Tyr3996Cys)

Gene: FAT1 (FAT atypical cadherin 1; minus strand). Cytogenetic location: 4q35.2.
Variant type: single nucleotide variant.
Coding change: c.11987A>G on transcript NM_005245.4 (MANE Select); coding-DNA position 11987, A replaced by G.
Protein change: p.Tyr3996Cys; replaces tyrosine 3996 with cysteine.
Molecular consequence: missense variant.
Genome position (GRCh38, 1-based): chr4:186,600,014, T>C on the plus strand (A>G on the coding strand, the complement: FAT1 is on the minus strand). VCF-style: chr4-186600014-T-C. GRCh37 (hg19) VCF-style: chr4-187521168-T-C.
Other names: short protein forms Y3996C.
Identifiers: ClinVar variation 3058650 (VCV003058650.2), dbSNP rs201255830, ClinGen allele CA3164983.